The following is an entry in ClinVar:

NM_024757.5(EHMT1):c.1507G>A (p.Ala503Thr)

Gene: EHMT1 (euchromatic histone lysine methyltransferase 1; plus strand). Cytogenetic location: 9q34.3.
Variant type: single nucleotide variant.
Coding change: c.1507G>A on transcript NM_024757.5 (MANE Select); coding-DNA position 1507, G replaced by A.
Protein change: p.Ala503Thr; replaces alanine 503 with threonine.
Molecular consequence: missense variant.
Genome position (GRCh38, 1-based): chr9:137,762,680, G>A. VCF-style: chr9-137762680-G-A. GRCh37 (hg19) VCF-style: chr9-140657132-G-A.
Other names: c.1507G>A, p.Ala503Thr (NM_001145527.2, NM_001354611.2); c.1414G>A, p.Ala472Thr (NM_001354259.2, NM_001354612.2); c.1486G>A, p.Ala496Thr (NM_001354263.2); short protein forms A496T, A503T, A472T.
Identifiers: ClinVar variation 4987517 (VCV004987517.1).

ClinVar aggregate classification (germline): Uncertain significance (1 of 4 stars; one submission).

Conditions:
EHMT1-related disorder. Also called: EHMT1-related condition.

gnomAD v4.1: 1 of 1,614,200 alleles (0.000062%); no homozygotes.

Submission:

PreventionGenetics, part of Exact Sciences
Classification: Uncertain significance for EHMT1-related condition. Last evaluated: 2026-07-31. Review status: criteria provided, single submitter. Criteria: ACMG Guidelines, 2015. Collection method: clinical testing. Allele origin: germline.
Comment: The EHMT1 c.1507G>A variant is predicted to result in the amino acid substitution p.Ala503Thr. To our knowledge, this variant has not been reported in the literature. This variant is reported in 0.0046% of alleles in individuals of European (Finnish) descent in gnomAD. At this time, the clinical significance of this variant is uncertain due to the absence of conclusive functional and genetic evidence.